The following is an entry in ClinVar:

NM_000127.3(EXT1):c.1372T>C (p.Tyr458His)

Gene: EXT1 (exostosin glycosyltransferase 1; minus strand). Cytogenetic location: 8q24.11.
Variant type: single nucleotide variant.
Coding change: c.1372T>C on transcript NM_000127.3 (MANE Select); coding-DNA position 1372, T replaced by C.
Protein change: p.Tyr458His; replaces tyrosine 458 with histidine.
Molecular consequence: missense variant.
Genome position (GRCh38, 1-based): chr8:117,822,510, A>G on the plus strand (T>C on the coding strand, the complement: EXT1 is on the minus strand). VCF-style: chr8-117822510-A-G. GRCh37 (hg19) VCF-style: chr8-118834749-A-G.
Other names: short protein forms Y458H.
Identifiers: ClinVar variation 3704732 (VCV003704732.2).

ClinVar aggregate classification (germline): Uncertain significance (1 of 4 stars; one submission).

Conditions:
Multiple congenital exostosis (EXT). Also called: Hereditary multiple osteochondromas; Hereditary multiple exostoses; Hereditary multiple exostosis; Multiple exostoses; MULTIPLE CARTILAGINOUS EXOSTOSES; Multiple osteochondromas. Identifiers: Orphanet 321, MedGen C0015306, MONDO:0005508, HP:0002762.

Submission:

Labcorp Genetics (formerly Invitae), Labcorp
Classification: Uncertain significance for Multiple congenital exostosis. Last evaluated: 2024-08-20. Review status: criteria provided, single submitter. Criteria: Invitae Variant Classification Sherloc (09022015). Collection method: clinical testing. Allele origin: germline.
Comment: This sequence change replaces tyrosine, which is neutral and polar, with histidine, which is basic and polar, at codon 458 of the EXT1 protein (p.Tyr458His). This variant is not present in population databases (gnomAD no frequency). This variant has not been reported in the literature in individuals affected with EXT1-related conditions. Invitae Evidence Modeling of protein sequence and biophysical properties (such as structural, functional, and spatial information, amino acid conservation, physicochemical variation, residue mobility, and thermodynamic stability) indicates that this missense variant is not expected to disrupt EXT1 protein function with a negative predictive value of 80%. In summary, the available evidence is currently insufficient to determine the role of this variant in disease. Therefore, it has been classified as a Variant of Uncertain Significance.